The following is an entry in ClinVar:

NM_002524.5(NRAS):c.4A>G (p.Thr2Ala)

Gene: NRAS (NRAS proto-oncogene, GTPase; minus strand). Cytogenetic location: 1p13.2.
Variant type: single nucleotide variant.
Coding change: c.4A>G on transcript NM_002524.5 (MANE Select); coding-DNA position 4, A replaced by G.
Protein change: p.Thr2Ala; replaces threonine 2 with alanine.
Molecular consequence: missense variant.
Genome position (GRCh38, 1-based): chr1:114,716,157, T>C on the plus strand (A>G on the coding strand, the complement: NRAS is on the minus strand). VCF-style: chr1-114716157-T-C. GRCh37 (hg19) VCF-style: chr1-115258778-T-C.
Other names: short protein forms T2A.
Identifiers: ClinVar variation 2113743 (VCV002113743.4), dbSNP rs1310992906, ClinGen allele CA341742845.
Genomic context (GRCh38, chr1:114,716,157, plus strand): 5'-GGATTGTCAGTGCGCTTTTCCCAACACCACCTGCTCCAACCACCACCAGTTTGTACTCAG[T>C]CATTTCACACCAGCAAGAACCTGTTGGAAACCAGTAATCAGGGTTAATTGGCGAGCCACA-3'
Protein context (NP_002515.1, residues 1-12): M[Thr2Ala]EYKLVVVGAG

ClinVar aggregate classification (germline): Uncertain significance (1 of 4 stars; one submission).

Conditions:
RASopathy. Also called: rasopathies; Noonan spectrum disorder. Identifiers: Orphanet 536391, MedGen C5555857, MONDO:0021060.

Submission:

Labcorp Genetics (formerly Invitae), Labcorp
Classification: Uncertain significance for RASopathy. Last evaluated: 2022-03-18. Review status: criteria provided, single submitter. Criteria: Invitae Variant Classification Sherloc (09022015). Collection method: clinical testing. Allele origin: germline.
Comment: This sequence change replaces threonine, which is neutral and polar, with alanine, which is neutral and non-polar, at codon 2 of the NRAS protein (p.Thr2Ala). This variant is not present in population databases (gnomAD no frequency). This variant has not been reported in the literature in individuals affected with NRAS-related conditions. Advanced modeling of protein sequence and biophysical properties (such as structural, functional, and spatial information, amino acid conservation, physicochemical variation, residue mobility, and thermodynamic stability) performed at Invitae indicates that this missense variant is not expected to disrupt NRAS protein function. In summary, the available evidence is currently insufficient to determine the role of this variant in disease. Therefore, it has been classified as a Variant of Uncertain Significance.